The following is an entry in ClinVar:

ClinVar aggregate classification (germline): Pathogenic (1 of 4 stars; one submission).

Submission:

Dasa
Classification: Pathogenic. Last evaluated: 2025-12-19. Review status: criteria provided, single submitter. Criteria: DASA Assertion Criteria. Collection method: clinical testing. Allele origin: germline.
Comment: NM_000368.5(TSC1):c.2491del (p.Val831Phefs*18) introduces a premature termination codon predicted to result in loss of normal protein function. Loss-of-function is an established mechanism of disease for this gene. The variant is present at low frequency in population datasets. Based on the available data, this variant is classified as pathogenic.

NM_000368.5(TSC1):c.2491del (p.Val831fs)

Gene: TSC1 (TSC complex subunit 1; minus strand). Cytogenetic location: 9q34.13.
Variant type: Deletion.
Coding change: c.2491del on transcript NM_000368.5 (MANE Select); coding-DNA position 2491, one base deleted (G; older notation c.2491delG).
Protein change: p.Val831fs; shifts the reading frame from valine 831.
Molecular consequence: frameshift variant. On other transcripts: non-coding transcript variant (5), intron variant (8).
Genome position (GRCh38, 1-based): chr9:132,901,600, C deleted on the plus strand (G on the coding strand, the reverse complement: TSC1 is on the minus strand); the first of 2 consecutive C bases (chr9:132,901,600-132,901,601); deleting either gives the same sequence. VCF-style (leftmost placement, unchanged base first): chr9-132901599-AC-A. GRCh37 (hg19) VCF-style: chr9-135776986-AC-A.
Other names: c.2488del, p.Val830fs (NM_001162426.2, NM_001406597.1, NM_001406598.1 and 2 more transcripts); c.2338del, p.Val780fs (NM_001162427.2, NM_001406610.1); c.2128del, p.Val710fs (NM_001362177.2, NM_001406614.1, NM_001406615.1 and 4 more transcripts); c.2491del, p.Val831fs (NM_001406592.1, NM_001406593.1, NM_001406594.1 and 2 more transcripts); c.2476del, p.Val826fs (NM_001406601.1, NM_001406602.1); c.2473del, p.Val825fs (NM_001406603.1, NM_001406604.1); c.2335del, p.Val779fs (NM_001406611.1, NM_001406612.1); c.2125del, p.Val709fs (NM_001406620.1, NM_001406621.1, NM_001406622.1 and 1 more transcripts); and 8 more; short protein forms V826fs, V830fs, V831fs, V480fs, V513fs, V514fs, V709fs, V710fs.
Identifiers: ClinVar variation 4852004 (VCV004852004.1).